The following is an entry in ClinVar:

NM_130384.3(ATRIP):c.1220C>A (p.Ala407Asp)

Genes: ATRIP (ATR interacting protein; plus strand), ATRIP-TREX1 (ATRIP-TREX1 readthrough; plus strand). Cytogenetic location: 3p21.31.
Variant type: single nucleotide variant.
Coding change: c.1220C>A on transcript NM_130384.3 (MANE Select); coding-DNA position 1220, C replaced by A.
Protein change: p.Ala407Asp; replaces alanine 407 with aspartic acid.
Molecular consequence: missense variant. On other transcripts: non-coding transcript variant (1).
Genome position (GRCh38, 1-based): chr3:48,460,274, C>A. VCF-style: chr3-48460274-C-A. GRCh37 (hg19) VCF-style: chr3-48501673-C-A.
Other names: c.839C>A, p.Ala280Asp (NM_001271022.2); c.941C>A, p.Ala314Asp (NM_001271023.2); c.1220C>A, p.Ala407Asp (NM_032166.4); short protein forms A280D, A314D, A407D.
Identifiers: ClinVar variation 4644612 (VCV004644612.1).

ClinVar aggregate classification (germline): Uncertain significance (1 of 4 stars; one submission).

Submission:

Ambry Genetics
Classification: Uncertain significance. Last evaluated: 2025-12-11. Review status: criteria provided, single submitter. Criteria: Ambry Variant Classification Scheme 2023. Collection method: clinical testing. Allele origin: germline.
Comment: The p.A407D variant (also known as c.1220C>A), located in coding exon 8 of the ATRIP gene, results from a C to A substitution at nucleotide position 1220. The alanine at codon 407 is replaced by aspartic acid, an amino acid with dissimilar properties. This amino acid position is conserved. In addition, this alteration is predicted to be tolerated by in silico analysis. Based on the available evidence, the clinical significance of this variant remains unclear.